The following is an entry in ClinVar:

NM_198491.3(CIBAR2):c.184C>T (p.Pro62Ser)

Gene: CIBAR2 (CBY1 interacting BAR domain containing 2; minus strand). Cytogenetic location: 16q24.1.
Variant type: single nucleotide variant.
Coding change: c.184C>T on transcript NM_198491.3 (MANE Select); coding-DNA position 184, C replaced by T.
Protein change: p.Pro62Ser; replaces proline 62 with serine.
Molecular consequence: missense variant.
Genome position (GRCh38, 1-based): chr16:85,110,297, G>A on the plus strand (C>T on the coding strand, the complement: CIBAR2 is on the minus strand). VCF-style: chr16-85110297-G-A. GRCh37 (hg19) VCF-style: chr16-85143903-G-A.
Other names: c.184C>T (NM_198491.1); c.184C>T, p.Pro62Ser (NM_001366920.1); short protein forms P62S.
Identifiers: ClinVar variation 3046887 (VCV003046887.3), dbSNP rs149617066, ClinGen allele CA8213702.

ClinVar aggregate classification (germline): Uncertain significance. Review status: criteria provided, single submitter (1 of 4 stars). 2 submissions from 2 submitters: Uncertain significance (1). 1 of the submissions does not count toward it. Last evaluated 2025-09-26.

Conditions:
CIBAR2-related disorder. Also called: CIBAR2-related condition.

Allele frequency attached by ClinVar (database versions not stated): TOPMed 0.00136; ESP Exome Variant Server 0.00146; 1000 Genomes Project 0.00180; 1000 Genomes Project 30x 0.00187; gnomAD exomes 0.00012; ExAC 0.00045; gnomAD 0.00112.
gnomAD v4.1: 348 of 1,611,234 alleles (0.022%); highest among the groups gnomAD compares: African/African-American, 0.4%; no homozygotes.

Submissions (2):

Ambry Genetics
Classification: Uncertain significance. Last evaluated: 2025-09-26. Review status: criteria provided, single submitter. Criteria: Ambry Variant Classification Scheme 2023. Collection method: clinical testing. Allele origin: germline.

PreventionGenetics, part of Exact Sciences
Classification: Likely benign for CIBAR2-related condition. Last evaluated: 2021-04-14. Review status: no assertion criteria provided. Collection method: clinical testing. Allele origin: germline. Not counted in ClinVar's aggregate classification.
Comment: This variant is classified as likely benign based on ACMG/AMP sequence variant interpretation guidelines (Richards et al. 2015 PMID: 25741868, with internal and published modifications).